The following is an entry in ClinVar:

ClinVar aggregate classification (germline): Uncertain significance (1 of 4 stars; one submission).

Conditions:
KIDINS220-related disorder. Also called: KIDINS220-related condition.

gnomAD v4.1: 24 of 1,580,622 alleles (0.0015%); highest among the groups gnomAD compares: Non-Finnish European, 0.002%; no homozygotes.

Submission:

PreventionGenetics, part of Exact Sciences
Classification: Uncertain significance for KIDINS220-related condition. Last evaluated: 2025-03-19. Review status: criteria provided, single submitter. Criteria: ACMG Guidelines, 2015. Collection method: clinical testing. Allele origin: germline.
Comment: The KIDINS220 c.3815C>A variant is predicted to result in the amino acid substitution p.Thr1272Lys. To our knowledge, this variant has not been reported in the literature. This variant is reported in 0.0018% of alleles in individuals of European (Non-Finnish) descent in gnomAD. At this time, the clinical significance of this variant is uncertain due to the absence of conclusive functional and genetic evidence.

NM_020738.4(KIDINS220):c.3815C>A (p.Thr1272Lys)

Gene: KIDINS220 (kinase D interacting substrate 220; minus strand). Cytogenetic location: 2p25.1.
Variant type: single nucleotide variant.
Coding change: c.3815C>A on transcript NM_020738.4 (MANE Select); coding-DNA position 3815, C replaced by A.
Protein change: p.Thr1272Lys; replaces threonine 1272 with lysine.
Molecular consequence: missense variant. On other transcripts: non-coding transcript variant (2).
Genome position (GRCh38, 1-based): chr2:8,734,656, G>T on the plus strand (C>A on the coding strand, the complement: KIDINS220 is on the minus strand). VCF-style: chr2-8734656-G-T. GRCh37 (hg19) VCF-style: chr2-8874786-G-T.
Other names: c.3818C>A, p.Thr1273Lys (NM_001348729.2); c.3761C>A, p.Thr1254Lys (NM_001348731.2); c.3758C>A, p.Thr1253Lys (NM_001348732.2, NM_001348738.2); c.3647C>A, p.Thr1216Lys (NM_001348734.2, NM_001348739.2, NM_001348740.2); c.3644C>A, p.Thr1215Lys (NM_001348735.2, NM_001348741.2, NM_001348742.2 and 1 more transcripts); c.3518C>A, p.Thr1173Lys (NM_001348736.2); short protein forms T1216K, T1272K, T1173K, T1215K, T1253K, T1254K, T1273K.
Identifiers: ClinVar variation 4987662 (VCV004987662.1).
Genomic context (GRCh38, chr2:8,734,656, plus strand): 5'-AATTTTGAATGTTATCATAAAATAATGTTGTAAACATCACAATGTTACAAATATCTTACT[G>T]TGCTTCTGAAAAGGTGCCAGTCTCCAAAATTCATATTCATCTCTTTCTTCAGCTCATCAA-3'
Protein context (NP_065789.1, residues 1262-1282): NFGDWHLFRS[Thr1272Lys]VLEMRNAESH